The following is an entry in ClinVar:

ClinVar aggregate classification (germline): Conflicting classifications of pathogenicity. Review status: criteria provided, conflicting classifications (1 of 4 stars). 2 submissions from 2 submitters: Uncertain significance (1); Likely benign (1). Last evaluated 2026-06-09.

Conditions:
Retinoblastoma (RB1). Also called: RETINOBLASTOMA, SOMATIC. Identifiers: Orphanet 790, MedGen C0035335, MeSH D012175, MONDO:0008380, OMIM 180200, HP:0009919. Disease mechanism: loss of function. Inheritance: Both sporadic and heritable forms are tested..
Hereditary cancer-predisposing syndrome. Also called: Hereditary Cancer Syndrome; Hereditary neoplastic syndrome; Neoplastic Syndromes, Hereditary; Tumor predisposition. Identifiers: Orphanet 140162, MedGen C0027672, MeSH D009386, MONDO:0015356.

Submissions (2):

Ambry Genetics
Classification: Uncertain significance for Hereditary cancer-predisposing syndrome. Last evaluated: 2026-06-09. Review status: criteria provided, single submitter. Criteria: Ambry Variant Classification Scheme 2023. Collection method: clinical testing. Allele origin: germline.
Comment: The c.500+3A>G intronic variant results from an A to G substitution 3 nucleotides after coding exon 4 in the RB1 gene. This nucleotide position is highly conserved in available vertebrate species. In silico splice site analysis predicts that this alteration will not have any significant effect on splicing. Based on the available evidence, the clinical significance of this variant remains unclear.

Labcorp Genetics (formerly Invitae), Labcorp
Classification: Likely benign for Retinoblastoma. Last evaluated: 2024-12-24. Review status: criteria provided, single submitter. Criteria: Invitae Variant Classification Sherloc (09022015). Collection method: clinical testing. Allele origin: germline.

NM_000321.3(RB1):c.500+3A>G

Gene: RB1 (RB transcriptional corepressor 1; plus strand). Cytogenetic location: 13q14.2.
Variant type: single nucleotide variant.
Coding change: c.500+3A>G on transcript NM_000321.3 (MANE Select); 3 bases into the intron after coding-DNA position 500, A replaced by G.
Molecular consequence: intron variant.
Genome position (GRCh38, 1-based): chr13:48,345,202, A>G. VCF-style: chr13-48345202-A-G. GRCh37 (hg19) VCF-style: chr13-48919338-A-G.
Other names: c.500+3A>G (NM_000321.2, NM_001407165.1, NM_001407166.1).
Identifiers: ClinVar variation 3707229 (VCV003707229.3).
Genomic context (GRCh38, chr13:48,345,202, plus strand): 5'-TGTCAAGACTGTTGAAGAAGTATGATGTATTGTTTGCACTCTTCAGCAAATTGGAAAGGT[A>G]AAGTAAACATTTTATTAGGTTTACACTCTGATTTTTTATGTCATTGTTCACAATTAGATT-3'